The following is an entry in ClinVar:

NM_003239.5(TGFB3):c.1219A>G (p.Lys407Glu)

Gene: TGFB3 (transforming growth factor beta 3; minus strand). Cytogenetic location: 14q24.3.
Variant type: single nucleotide variant.
Coding change: c.1219A>G on transcript NM_003239.5 (MANE Select); coding-DNA position 1219, A replaced by G.
Protein change: p.Lys407Glu; replaces lysine 407 with glutamic acid.
Molecular consequence: missense variant.
Genome position (GRCh38, 1-based): chr14:75,959,207, T>C on the plus strand (A>G on the coding strand, the complement: TGFB3 is on the minus strand). VCF-style: chr14-75959207-T-C. GRCh37 (hg19) VCF-style: chr14-76425550-T-C.
Other names: c.1219A>G (NM_003239.2); c.1219A>G, p.Lys407Glu (NM_001329939.2); short protein forms K407E.
Identifiers: ClinVar variation 640810 (VCV000640810.20), dbSNP rs1248127840, ClinGen allele CA390466648.

ClinVar aggregate classification (germline): Uncertain significance. Review status: criteria provided, multiple submitters, no conflicts (2 of 4 stars). 4 submissions from 4 submitters: Uncertain significance (4). Last evaluated 2026-01-17.

Conditions:
Arrhythmogenic right ventricular dysplasia 1. Identifiers: Orphanet 3403, MedGen C1862511, MONDO:0007152, OMIM 107970.
Rienhoff syndrome. Also called: LOEYS-DIETZ SYNDROME 5. Identifiers: MedGen C3810012, MONDO:0014262, OMIM 615582.
Familial thoracic aortic aneurysm and aortic dissection (TAAD). Also called: Thoracic aortic aneurysms and dissections. Identifiers: Orphanet 91387, MedGen C4707243, MONDO:0019625.

Allele frequency attached by ClinVar (database versions not stated): gnomAD exomes below 0.00001.
gnomAD v4.1: 1 of 1,614,164 alleles (0.000062%); highest among the groups gnomAD compares: Non-Finnish European, 0.000085%; no homozygotes.

Submissions (4):

Labcorp Genetics (formerly Invitae), Labcorp
Classification: Uncertain significance for Rienhoff syndrome. Last evaluated: 2026-01-17. Review status: criteria provided, single submitter. Criteria: Invitae Variant Classification Sherloc (09022015). Collection method: clinical testing. Allele origin: germline.
Comment: This sequence change replaces lysine, which is basic and polar, with glutamic acid, which is acidic and polar, at codon 407 of the TGFB3 protein (p.Lys407Glu). This variant is present in population databases (no rsID available, gnomAD 0.0009%). This variant has not been reported in the literature in individuals affected with TGFB3-related conditions. ClinVar contains an entry for this variant (Variation ID: 640810). Invitae Evidence Modeling of protein sequence and biophysical properties (such as structural, functional, and spatial information, amino acid conservation, physicochemical variation, residue mobility, and thermodynamic stability) indicates that this missense variant is not expected to disrupt TGFB3 protein function with a negative predictive value of 80%. In summary, the available evidence is currently insufficient to determine the role of this variant in disease. Therefore, it has been classified as a Variant of Uncertain Significance.

Ambry Genetics
Classification: Uncertain significance for Familial thoracic aortic aneurysm and aortic dissection. Last evaluated: 2023-05-15. Review status: criteria provided, single submitter. Criteria: Ambry Variant Classification Scheme 2023. Collection method: clinical testing. Allele origin: germline.
Comment: The p.K407E variant (also known as c.1219A>G), located in coding exon 7 of the TGFB3 gene, results from an A to G substitution at nucleotide position 1219. The lysine at codon 407 is replaced by glutamic acid, an amino acid with similar properties. This amino acid position is conserved. In addition, the in silico prediction for this alteration is inconclusive. Since supporting evidence is limited at this time, the clinical significance of this alteration remains unclear.

Fulgent Genetics
Classification: Uncertain significance for Arrhythmogenic right ventricular dysplasia 1; Rienhoff syndrome. Last evaluated: 2021-10-18. Review status: criteria provided, single submitter. Criteria: ACMG Guidelines, 2015. Collection method: clinical testing. Allele origin: unknown.

ARUP Laboratories, Molecular Genetics and Genomics, ARUP Laboratories
Classification: Uncertain significance. Last evaluated: 2019-10-21. Review status: criteria provided, single submitter. Criteria: ARUP Molecular Germline Variant Investigation Process. Collection method: clinical testing. Allele origin: germline.
Comment: The TGFB3 c.1219A>G; p.Lys407Glu variant (rs1248127840), to our knowledge, is not reported in the medical literature but is reported as a variant of uncertain significance in ClinVar (Variation ID: 640810). This variant is only observed on one allele in the Genome Aggregation Database, indicating it is not a common polymorphism. The lysine at codon 407 is highly conserved, and computational analyses (SIFT, PolyPhen-2) predict that this variant is deleterious. Due to limited information, the clinical significance of the p.Lys407Glu variant is uncertain at this time.